The following is an entry in ClinVar:

NM_001375883.1(GPR161):c.682G>A (p.Val228Ile)

Gene: GPR161 (G protein-coupled receptor 161; minus strand). Cytogenetic location: 1q24.2.
Variant type: single nucleotide variant.
Coding change: c.682G>A on transcript NM_001375883.1 (MANE Select); coding-DNA position 682, G replaced by A.
Protein change: p.Val228Ile; replaces valine 228 with isoleucine.
Molecular consequence: missense variant.
Genome position (GRCh38, 1-based): chr1:168,096,925, C>T on the plus strand (G>A on the coding strand, the complement: GPR161 is on the minus strand). VCF-style: chr1-168096925-C-T. GRCh37 (hg19) VCF-style: chr1-168066163-C-T.
Other names: c.742G>A, p.Val248Ile (NM_001267609.1); c.682G>A, p.Val228Ile (NM_001267610.2, NM_001349632.1, NM_001349633.1 and 5 more transcripts); c.733G>A, p.Val245Ile (NM_001267611.1); c.286G>A, p.Val96Ile (NM_001267612.2, NM_001349635.1); c.448G>A, p.Val150Ile (NM_001267613.1); c.340G>A, p.Val114Ile (NM_001267614.1); short protein forms V96I, V114I, V248I, V228I, V150I, V245I.
Identifiers: ClinVar variation 2699979 (VCV002699979.3), dbSNP rs143799014, ClinGen allele CA1229655.
Genomic context (GRCh38, chr1:168,096,925, plus strand): 5'-AGGAGGTGGAGGTGCTGGAGTTCTTCCTCCCGGTCCTCTGAGCATCCTCCTCCACGATGA[C>T]GACTGTGCCACAGTGCACCTTGCGTGCCTTGACCCTGGCCACGCGGAAGATGAAGCCATA-3'
Protein context (NP_001362812.1, residues 218-238): KARKVHCGTV[Val228Ile]IVEEDAQRTG

ClinVar aggregate classification (germline): Uncertain significance (1 of 4 stars; one submission).

Allele frequency attached by ClinVar (database versions not stated): ESP Exome Variant Server 0.00015; ExAC 0.00048; 1000 Genomes Project 0.00080; 1000 Genomes Project 30x 0.00062.

Submission:

Labcorp Genetics (formerly Invitae), Labcorp
Classification: Uncertain significance. Last evaluated: 2025-12-15. Review status: criteria provided, single submitter. Criteria: Invitae Variant Classification Sherloc (09022015). Collection method: clinical testing. Allele origin: germline.
Comment: This sequence change replaces valine, which is neutral and non-polar, with isoleucine, which is neutral and non-polar, at codon 248 of the GPR161 protein (p.Val248Ile). This variant is present in population databases (rs143799014, gnomAD 0.07%), and has an allele count higher than expected for a pathogenic variant. This variant has not been reported in the literature in individuals affected with GPR161-related conditions. ClinVar contains an entry for this variant (Variation ID: 2699979). An algorithm developed to predict the effect of missense changes on protein structure and function (PolyPhen-2) suggests that this variant is likely to be tolerated. In summary, the available evidence is currently insufficient to determine the role of this variant in disease. Therefore, it has been classified as a Variant of Uncertain Significance.